The following is an entry in ClinVar:

NM_174978.3(C14orf39):c.1575G>A (p.Glu525=)

Gene: C14orf39 (chromosome 14 open reading frame 39; minus strand). Cytogenetic location: 14q23.1.
Variant type: single nucleotide variant.
Coding change: c.1575G>A on transcript NM_174978.3 (MANE Select); coding-DNA position 1575, G replaced by A.
Protein change: p.Glu525=; no amino-acid change (glutamic acid 525 retained).
Molecular consequence: synonymous variant.
Genome position (GRCh38, 1-based): chr14:60,437,034, C>T on the plus strand (G>A on the coding strand, the complement: C14orf39 is on the minus strand). VCF-style: chr14-60437034-C-T. GRCh37 (hg19) VCF-style: chr14-60903752-C-T.
Identifiers: ClinVar variation 3771962 (VCV003771962.13).

ClinVar aggregate classification (germline): Likely benign (1 of 4 stars; one submission).

gnomAD v4.1: 1 of 1,603,102 alleles (0.000062%); highest among the groups gnomAD compares: Non-Finnish European, 0.000085%; no homozygotes.

Submission:

CeGaT Center for Human Genetics Tuebingen
Classification: Likely benign. Last evaluated: 2025-01-01. Review status: criteria provided, single submitter. Criteria: CeGaT Center For Human Genetics Tuebingen Variant Classification Criteria Version 2. Collection method: clinical testing. Allele origin: germline. Affected: yes. Observed: 1 variant allele.
Comment: C14orf39: BP4, BP7